The following is an entry in ClinVar:

NM_000179.3(MSH6):c.3814_3827dup (p.Asp1277fs)

Gene: MSH6 (mutS homolog 6; plus strand). Cytogenetic location: 2p16.3.
Variant type: Duplication.
Coding change: c.3814_3827dup on transcript NM_000179.3 (MANE Select); coding-DNA positions 3814 to 3827, 14 bases duplicated (GAAAATGAATGTGA).
Protein change: p.Asp1277fs; shifts the reading frame from aspartic acid 1277.
Molecular consequence: frameshift variant.
Genome position (GRCh38, 1-based): chr2:47,806,464-47,806,477, GAAAATGAATGTGA duplicated; duplicating any 14 consecutive bases within chr2:47,806,463-47,806,477 gives the same sequence; the c. name uses the placement nearest the transcript's 3' end. VCF-style (leftmost placement, unchanged base first): chr2-47806462-T-TAGAAAATGAATGTG. GRCh37 (hg19) VCF-style: chr2-48033601-T-TAGAAAATGAATGTG.
Other names: c.3424_3437dup, p.Asp1147fs (NM_001281492.2); c.2908_2921dup, p.Asp975fs (NM_001281493.2, NM_001281494.2); c.3814_3827dupGAAAATGAATGTGA (NM_000179.2); short protein forms D1147fs, D975fs, D1277fs.
Identifiers: ClinVar variation 577852 (VCV000577852.17), dbSNP rs1558393070, ClinGen allele CA891843281.

ClinVar aggregate classification (germline): Pathogenic/Likely pathogenic. Review status: criteria provided, multiple submitters, no conflicts (2 of 4 stars). 5 submissions from 5 submitters: Pathogenic (4); Likely pathogenic (1). Last evaluated 2023-08-25.

Conditions:
Hereditary nonpolyposis colorectal neoplasms. Identifiers: MedGen C0009405, MeSH D003123.
Lynch syndrome. Identifiers: Orphanet 144, MedGen C4552100, MONDO:0005835. Disease mechanism: loss of function.
Hereditary cancer-predisposing syndrome. Also called: Tumor predisposition; Hereditary neoplastic syndrome; Hereditary Cancer Syndrome; Neoplastic Syndromes, Hereditary. Identifiers: Orphanet 140162, MedGen C0027672, MeSH D009386, MONDO:0015356.
Lynch syndrome 5 (LYNCH5). Also called: Colorectal cancer, hereditary nonpolyposis, type 5; Hereditary non-polyposis colorectal cancer, type 5. Identifiers: Orphanet 144, MedGen C1833477, MONDO:0013710, OMIM 614350. Disease mechanism: loss of function.

Submissions (5):

Myriad Genetics, Inc.
Classification: Pathogenic for Lynch syndrome 5. Last evaluated: 2023-08-25. Review status: criteria provided, single submitter. Criteria: Myriad Autosomal Dominant, Autosomal Recessive and X-Linked Classification Criteria (2023). Collection method: clinical testing. Allele origin: unknown.
Comment: This variant is considered pathogenic. This variant creates a frameshift predicted to result in premature protein truncation.

Labcorp Genetics (formerly Invitae), Labcorp
Classification: Pathogenic for Hereditary nonpolyposis colorectal neoplasms. Last evaluated: 2023-07-10. Review status: criteria provided, single submitter. Criteria: Invitae Variant Classification Sherloc (09022015). Collection method: clinical testing. Allele origin: germline.
Comment: This sequence change creates a premature translational stop signal (p.Asp1277Lysfs*55) in the MSH6 gene. While this is not anticipated to result in nonsense mediated decay, it is expected to disrupt the last 84 amino acid(s) of the MSH6 protein. This variant is not present in population databases (gnomAD no frequency). This variant has not been reported in the literature in individuals affected with MSH6-related conditions. ClinVar contains an entry for this variant (Variation ID: 577852). This variant disrupts a region of the MSH6 protein in which other variant(s) (p.Leu1330Valfs*12) have been determined to be pathogenic (PMID: 14520694, 19851887, 21155762, 24440087). This suggests that this is a clinically significant region of the protein, and that variants that disrupt it are likely to be disease-causing. For these reasons, this variant has been classified as Pathogenic.

Ambry Genetics
Classification: Pathogenic for Hereditary cancer-predisposing syndrome. Last evaluated: 2023-04-17. Review status: criteria provided, single submitter. Criteria: Ambry Variant Classification Scheme 2023. Collection method: clinical testing. Allele origin: germline.
Comment: The c.3814_3827dup14 variant, located in coding exon 9 of the MSH6 gene, results from a duplication of 14 nucleotides at positions 3814 to 3827, causing a translational frameshift with a predicted alternate stop codon (p.D1277Kfs*55). This alteration occurs at the 3' terminus of theMSH6 gene, is not expected to trigger nonsense-mediated mRNA decay, and impacts the last 84 amino acids of the protein. However, premature stop codons are typically deleterious in nature and the impacted region is critical for protein function (Ambry internal data). This variant is considered to be rare based on population cohorts in the Genome Aggregation Database (gnomAD). Based on the supporting evidence, this alteration is interpreted as a disease-causing mutation.

Quest Diagnostics Nichols Institute San Juan Capistrano
Classification: Pathogenic. Last evaluated: 2019-06-20. Review status: criteria provided, single submitter. Criteria: Quest Diagnostics criteria. Collection method: clinical testing. Allele origin: germline.
Comment: The variant results in a shift of the reading frame, and is therefore predicted to result in the loss of a functional protein. Found in at least one symptomatic patient, and not found in general population data.

Women's Health and Genetics/Laboratory Corporation of America, LabCorp
Classification: Likely pathogenic for Lynch syndrome. Last evaluated: 2017-12-05. Review status: criteria provided, single submitter. Criteria: LabCorp Variant Classification Summary - May 2015. Collection method: clinical testing. Allele origin: germline.
Comment: Variant summary: The MSH6 c.3814_3827dupGAAAATGAATGTGA (p.Asp1277LysfsX55) variant results in a premature termination codon, predicted to cause a truncated or absent MSH6 protein due to nonsense mediated decay, which are commonly known mechanisms for disease. Truncations downstream of this position have been classified as pathogenic by our laboratory (e.g. c.3840_3846delGGAGACT (p.Glu1281fsX44), c.3938_3941dupTCCA (p.Gln1314fsX6), and c.3939_3957dupTCAAAAGGGACATAGAAAA (p.Ala1320fsX5)). This variant is absent in 245872 control chromosomes (gnomAD). The variant of interest has not, to our knowledge, been reported in affected individuals via publications and/or reputable databases/clinical diagnostic laboratories; nor evaluated for functional impact by in vivo/vitro studies. Taken together, this variant is classified as likely pathogenic.

Literature cited by the submitters: PubMed 14520694 (cited by Labcorp Genetics (formerly Invitae), Labcorp); PubMed 19851887 (cited by Labcorp Genetics (formerly Invitae), Labcorp); PubMed 21155762 (cited by Labcorp Genetics (formerly Invitae), Labcorp); PubMed 24440087 (cited by Labcorp Genetics (formerly Invitae), Labcorp).